The following is an entry in ClinVar:

ClinVar aggregate classification (germline): Uncertain significance (1 of 4 stars; one submission).

Allele frequency attached by ClinVar (database versions not stated): gnomAD exomes 0.00001; TOPMed 0.00001; gnomAD 0.00001.
gnomAD v4.1: 27 of 1,608,800 alleles (0.0017%); highest among the groups gnomAD compares: East Asian, 0.031%; no homozygotes.

Submission:

Labcorp Genetics (formerly Invitae), Labcorp
Classification: Uncertain significance. Last evaluated: 2023-10-13. Review status: criteria provided, single submitter. Criteria: Invitae Variant Classification Sherloc (09022015). Collection method: clinical testing. Allele origin: germline.
Comment: This sequence change replaces arginine, which is basic and polar, with histidine, which is basic and polar, at codon 192 of the RAB28 protein (p.Arg192His). This variant is present in population databases (no rsID available, gnomAD 0.009%). This variant has not been reported in the literature in individuals affected with RAB28-related conditions. ClinVar contains an entry for this variant (Variation ID: 1507360). An algorithm developed to predict the effect of missense changes on protein structure and function (PolyPhen-2) suggests that this variant¬†is likely to be tolerated. In summary, the available evidence is currently insufficient to determine the role of this variant in disease. Therefore, it has been classified as a Variant of Uncertain Significance.

NM_004249.4(RAB28):c.575G>A (p.Arg192His)

Gene: RAB28 (RAB28, member RAS oncogene family; minus strand). Cytogenetic location: 4p15.33.
Variant type: single nucleotide variant.
Coding change: c.575G>A on transcript NM_004249.4 (MANE Plus Clinical); coding-DNA position 575, G replaced by A.
Protein change: p.Arg192His; replaces arginine 192 with histidine.
Molecular consequence: missense variant. On other transcripts: intron variant (2).
Genome position (GRCh38, 1-based): chr4:13,369,964, C>T on the plus strand (G>A on the coding strand, the complement: RAB28 is on the minus strand). VCF-style: chr4-13369964-C-T. GRCh37 (hg19) VCF-style: chr4-13371588-C-T.
Other names: c.574-1314G>A (NM_001017979.3); c.*32-1314G>A (NM_001159601.2); short protein forms R192H.
Identifiers: ClinVar variation 1507360 (VCV001507360.6), dbSNP rs1375941722, ClinGen allele CA356404503.